The following is an entry in ClinVar:

ClinVar aggregate classification (germline): Uncertain significance (1 of 4 stars; one submission).

Conditions:
Inborn genetic diseases. Identifiers: MedGen C0950123, MeSH D030342.

Submission:

Ambry Genetics
Classification: Uncertain significance for Inborn genetic diseases. Last evaluated: 2023-07-30. Review status: criteria provided, single submitter. Criteria: Ambry Variant Classification Scheme 2023. Collection method: clinical testing. Allele origin: germline.
Comment: The p.D519N variant (also known as c.1555G>A), located in coding exon 7 of the ATR gene, results from a G to A substitution at nucleotide position 1555. The aspartic acid at codon 519 is replaced by asparagine, an amino acid with highly similar properties. This amino acid position is conserved. In addition, this alteration is predicted to be tolerated by in silico analysis. Since supporting evidence is limited at this time, the clinical significance of this alteration remains unclear.

NM_001184.4(ATR):c.1555G>A (p.Asp519Asn)

Gene: ATR (ATR checkpoint kinase; minus strand). Cytogenetic location: 3q23.
Variant type: single nucleotide variant.
Coding change: c.1555G>A on transcript NM_001184.4 (MANE Select); coding-DNA position 1555, G replaced by A.
Protein change: p.Asp519Asn; replaces aspartic acid 519 with asparagine.
Molecular consequence: missense variant.
Genome position (GRCh38, 1-based): chr3:142,559,428, C>T on the plus strand (G>A on the coding strand, the complement: ATR is on the minus strand). VCF-style: chr3-142559428-C-T. GRCh37 (hg19) VCF-style: chr3-142278270-C-T.
Other names: c.1363G>A, p.Asp455Asn (NM_001354579.2); short protein forms D519N, D455N.
Identifiers: ClinVar variation 2614107 (VCV002614107.2), dbSNP rs2473412720, ClinGen allele CA354822467.